The following is an entry in ClinVar:

NM_000388.4(CASR):c.523A>G (p.Ser175Gly)

Gene: CASR (calcium sensing receptor; plus strand). Cytogenetic location: 3q21.1.
Variant type: single nucleotide variant.
Coding change: c.523A>G on transcript NM_000388.4 (MANE Select); coding-DNA position 523, A replaced by G.
Protein change: p.Ser175Gly; replaces serine 175 with glycine.
Molecular consequence: missense variant.
Genome position (GRCh38, 1-based): chr3:122,261,558, A>G. VCF-style: chr3-122261558-A-G. GRCh37 (hg19) VCF-style: chr3-121980405-A-G.
Other names: c.523A>G, p.Ser175Gly (NM_001178065.2); c.523A>G (NM_000388.3); short protein forms S175G.
Identifiers: ClinVar variation 1397770 (VCV001397770.7), dbSNP rs2107631742, ClinGen allele CA354150767.
Genomic context (GRCh38, chr3:122,261,558, plus strand): 5'-CTCATTCACCATGTTCTTGGTTCTCTCCAGGTCAGTTATGCCTCCTCCAGCAGACTCCTC[A>G]GCAACAAGAATCAATTCAAGTCTTTCCTCCGAACCATCCCCAATGATGAGCACCAGGCCA-3'
Protein context (NP_000379.3, residues 165-185): VSYASSSRLL[Ser175Gly]NKNQFKSFLR

ClinVar aggregate classification (germline): Uncertain significance. Review status: criteria provided, multiple submitters, no conflicts (2 of 4 stars). 2 submissions from 2 submitters: Uncertain significance (2). Last evaluated 2023-04-08.

Conditions:
Nephrolithiasis/nephrocalcinosis. Identifiers: MedGen CN580796.
Familial hypocalciuric hypercalcemia (FHH). Also called: Familial benign hypercalcemia. Identifiers: Orphanet 405, MedGen C1809471, MONDO:0018458.
Autosomal dominant hypocalcemia 1 (HYPOC1). Also called: HYPOCALCEMIA, FAMILIAL. Identifiers: MedGen C3715128, MONDO:0011013, OMIM 601198.

Allele frequency attached by ClinVar (database versions not stated): gnomAD exomes below 0.00001.
gnomAD v4.1: 2 of 1,614,218 alleles (0.00012%); highest among the groups gnomAD compares: Non-Finnish European, 0.00017%; no homozygotes.

Submissions (2):

Ambry Genetics
Classification: Uncertain significance for Nephrolithiasis/nephrocalcinosis. Last evaluated: 2023-04-08. Review status: criteria provided, single submitter. Criteria: Ambry Variant Classification Scheme 2023. Collection method: clinical testing. Allele origin: germline.
Comment: The p.S175G variant (also known as c.523A>G), located in coding exon 3 of the CASR gene, results from an A to G substitution at nucleotide position 523. The serine at codon 175 is replaced by glycine, an amino acid with similar properties. This amino acid position is conserved. In addition, this alteration is predicted to be deleterious by in silico analysis. Since supporting evidence is limited at this time, the clinical significance of this alteration remains unclear.

Labcorp Genetics (formerly Invitae), Labcorp
Classification: Uncertain significance for Familial hypocalciuric hypercalcemia; Autosomal dominant hypocalcemia 1. Last evaluated: 2021-10-04. Review status: criteria provided, single submitter. Criteria: Invitae Variant Classification Sherloc (09022015). Collection method: clinical testing. Allele origin: germline.
Comment: This variant is not present in population databases (ExAC no frequency). This sequence change replaces serine with glycine at codon 175 of the CASR protein (p.Ser175Gly). The serine residue is highly conserved and there is a small physicochemical difference between serine and glycine. This variant has not been reported in the literature in individuals affected with CASR-related conditions. Algorithms developed to predict the effect of missense changes on protein structure and function (SIFT, PolyPhen-2, Align-GVGD) all suggest that this variant is likely to be disruptive. In summary, the available evidence is currently insufficient to determine the role of this variant in disease. Therefore, it has been classified as a Variant of Uncertain Significance.